The following is an entry in ClinVar:

ClinVar aggregate classification (germline): Uncertain significance (1 of 4 stars; one submission).

Conditions:
Hereditary cancer-predisposing syndrome. Also called: Hereditary Cancer Syndrome; Hereditary neoplastic syndrome; Neoplastic Syndromes, Hereditary; Tumor predisposition. Identifiers: Orphanet 140162, MedGen C0027672, MeSH D009386, MONDO:0015356.

Submission:

Ambry Genetics
Classification: Uncertain significance for Hereditary cancer-predisposing syndrome. Last evaluated: 2022-03-01. Review status: criteria provided, single submitter. Criteria: Ambry Variant Classification Scheme 2023. Collection method: clinical testing. Allele origin: germline.
Comment: The p.N3213K variant (also known as c.9639C>G), located in coding exon 25 of the BRCA2 gene, results from a C to G substitution at nucleotide position 9639. The asparagine at codon 3213 is replaced by lysine, an amino acid with similar properties. This amino acid position is conserved. In addition, this alteration is predicted to be tolerated by in silico analysis. Since supporting evidence is limited at this time, the clinical significance of this alteration remains unclear.

NM_000059.4(BRCA2):c.9639C>G (p.Asn3213Lys)

Gene: BRCA2 (BRCA2 DNA repair associated; plus strand). Cytogenetic location: 13q13.1.
Variant type: single nucleotide variant.
Coding change: c.9639C>G on transcript NM_000059.4 (MANE Select); coding-DNA position 9639, C replaced by G.
Protein change: p.Asn3213Lys; replaces asparagine 3213 with lysine.
Molecular consequence: missense variant.
Genome position (GRCh38, 1-based): chr13:32,397,035, C>G. VCF-style: chr13-32397035-C-G. GRCh37 (hg19) VCF-style: chr13-32971172-C-G.
Other names: c.9543C>G, p.Asn3181Lys (NM_001406719.1); c.9588C>G, p.Asn3196Lys (NM_001406720.1); c.4707C>G, p.Asn1569Lys (NM_001406721.1); c.3222C>G, p.Asn1074Lys (NM_001406722.1); short protein forms N3213K, N1569K, N3181K, N1074K, N3196K.
Identifiers: ClinVar variation 1767620 (VCV001767620.2), dbSNP rs876658460, ClinGen allele CA387763797.